The following is an entry in ClinVar:

NM_000559.3(HBG1):c.*2dup

Gene: HBG1 (hemoglobin subunit gamma 1; minus strand). Cytogenetic location: 11p15.4.
Variant type: Duplication.
Coding change: c.*2dup on transcript NM_000559.3 (MANE Select); 2 bases downstream of the stop codon, one base duplicated (C; older notation c.*2dupC).
Molecular consequence: 3 prime UTR variant.
Genome position (GRCh38, 1-based): chr11:5,248,357, G duplicated on the plus strand (C on the coding strand, the reverse complement: HBG1 is on the minus strand). VCF-style (leftmost placement, unchanged base first): chr11-5248356-A-AG. GRCh37 (hg19) VCF-style: chr11-5269586-A-AG.
Other names: c.*2dupC (NM_000559.2).
Identifiers: ClinVar variation 3059280 (VCV003059280.2), dbSNP rs371890964, ClinGen allele CA5840110.
Genomic context (GRCh38, chr11:5,248,356, plus strand): 5'-ATTATTTGTATTGCTTGCAGAATAAAGCCTATCCTTGAAAGCTCTGAATCATGGGCAGTG[A>AG]GCTCAGTGGTATCTGGAGGACAGGGCACTGGCCACTGCAGTCACCATCTTCTGCCAGGAA-3'

ClinVar aggregate classification (germline): Benign (0 of 4 stars; one submission).

Conditions:
HBG1-related disorder. Also called: HBG1-related condition.

Allele frequency attached by ClinVar (database versions not stated): ExAC 0.62645; gnomAD 0.82264; 1000 Genomes Project 30x 0.85931.

Submission:

PreventionGenetics, part of Exact Sciences
Classification: Benign for HBG1-related condition. Last evaluated: 2019-10-31. Review status: no assertion criteria provided. Collection method: clinical testing. Allele origin: germline.
Comment: This variant is classified as benign based on ACMG/AMP sequence variant interpretation guidelines (Richards et al. 2015 PMID: 25741868, with internal and published modifications).